The following is an entry in ClinVar:

NM_004656.4(BAP1):c.1478_1479del (p.Thr493fs)

Gene: BAP1 (BRCA1 associated deubiquitinase 1; minus strand). Cytogenetic location: 3p21.1.
Variant type: Deletion.
Coding change: c.1478_1479del on transcript NM_004656.4 (MANE Select); coding-DNA positions 1478 to 1479, 2 bases deleted (CA; older notation c.1478_1479delCA).
Protein change: p.Thr493fs; shifts the reading frame from threonine 493.
Molecular consequence: frameshift variant.
Genome position (GRCh38, 1-based): chr3:52,403,666-52,403,667, TG deleted on the plus strand (CA on the coding strand, the reverse complement: BAP1 is on the minus strand); deleting any 2 consecutive bases within chr3:52,403,666-52,403,668 gives the same sequence; the c. name uses the placement nearest the transcript's 3' end. VCF-style (leftmost placement, unchanged base first): chr3-52403665-CTG-C. GRCh37 (hg19) VCF-style: chr3-52437681-CTG-C.
Other names: c.1424_1425del, p.Thr475fs (NM_001410772.1); short protein forms T475fs, T493fs.
Identifiers: ClinVar variation 2771886 (VCV002771886.3), dbSNP rs2471328765, ClinGen allele CA2697556703.

ClinVar aggregate classification (germline): Pathogenic (1 of 4 stars; one submission).

Conditions:
BAP1-related tumor predisposition syndrome (TPDS1). Also called: COMMON Syndrome; TUMOR PREDISPOSITION SYNDROME 1; Tumor susceptibility linked to germline BAP1 mutations; BAP1 tumor predisposition syndrome. Identifiers: Orphanet 289539, MedGen C3280492, MONDO:0013692, OMIM 614327.

Submission:

Labcorp Genetics (formerly Invitae), Labcorp
Classification: Pathogenic for BAP1-related tumor predisposition syndrome. Last evaluated: 2023-10-26. Review status: criteria provided, single submitter. Criteria: Invitae Variant Classification Sherloc (09022015). Collection method: clinical testing. Allele origin: germline.
Comment: This sequence change creates a premature translational stop signal (p.Thr493Argfs*5) in the BAP1 gene. It is expected to result in an absent or disrupted protein product. Loss-of-function variants in BAP1 are known to be pathogenic (PMID: 21874000, 23684012). This variant is not present in population databases (gnomAD no frequency). This variant has not been reported in the literature in individuals affected with BAP1-related conditions. For these reasons, this variant has been classified as Pathogenic.

Literature cited by the submitters: PubMed 21874000; PubMed 23684012.